The following is an entry in ClinVar:

NM_004782.4(SNAP29):c.*755A>G

Gene: SNAP29 (synaptosome associated protein 29; plus strand). Cytogenetic location: 22q11.21.
Variant type: single nucleotide variant.
Coding change: c.*755A>G on transcript NM_004782.4 (MANE Select); 755 bases downstream of the stop codon, A replaced by G.
Molecular consequence: 3 prime UTR variant.
Genome position (GRCh38, 1-based): chr22:20,888,591, A>G. VCF-style: chr22-20888591-A-G. GRCh37 (hg19) VCF-style: chr22-21242879-A-G.
Identifiers: ClinVar variation 902758 (VCV000902758.5), dbSNP rs116984278, ClinGen allele CA322277900.

ClinVar aggregate classification (germline): Benign. Review status: criteria provided, multiple submitters, no conflicts (2 of 4 stars). 2 submissions from 2 submitters: Benign (2). Last evaluated 2018-01-13.

Conditions:
CEDNIK syndrome. Also called: Cerebral dysgenesis, neuropathy, ichthyosis, and palmoplantar keratoderma; CEREBRAL DYSGENESIS, NEUROPATHY, ICHTHYOSIS, AND PALMOPLANTAR KERATODERMA SYNDROME. Identifiers: Orphanet 66631, MedGen C1836033, MONDO:0012290, OMIM 609528.

Allele frequency attached by ClinVar (database versions not stated): 1000 Genomes Project 30x 0.00999; 1000 Genomes Project 0.01058; TOPMed 0.01790; gnomAD exomes 0.01881.

Submissions (2):

Illumina Laboratory Services, Illumina
Classification: Benign for CEDNIK syndrome. Last evaluated: 2018-01-13. Review status: criteria provided, single submitter. Criteria: ICSL Variant Classification Criteria 13 December 2019. Collection method: clinical testing. Allele origin: germline.
Comment: This variant was observed in the ICSL laboratory as part of a predisposition screen in an ostensibly healthy population. It had not been previously curated by ICSL or reported in the Human Gene Mutation Database (HGMD: prior to June 1st, 2018), and was therefore a candidate for classification through an automated scoring system. Utilizing variant allele frequency, disease prevalence and penetrance estimates, and inheritance mode, an automated score was calculated to assess if this variant is too frequent to cause the disease. Based on the score and internal cut-off values, a variant classified as benign is not then subjected to further curation. The score for this variant resulted in a classification of benign for this disease.

Breakthrough Genomics
Classification: Benign. Review status: criteria provided, single submitter. Criteria: ACMG Guidelines, 2015. Collection method: not provided. Allele origin: germline. Inheritance: Autosomal recessive inheritance. Affected: yes.